The following is an entry in ClinVar:

NM_000053.4(ATP7B):c.2681C>T (p.Thr894Ile)

Gene: ATP7B (ATPase copper transporting beta; minus strand). Cytogenetic location: 13q14.3.
Variant type: single nucleotide variant.
Coding change: c.2681C>T on transcript NM_000053.4 (MANE Select); coding-DNA position 2681, C replaced by T.
Protein change: p.Thr894Ile; replaces threonine 894 with isoleucine.
Molecular consequence: missense variant.
Genome position (GRCh38, 1-based): chr13:51,950,056, G>A on the plus strand (C>T on the coding strand, the complement: ATP7B is on the minus strand). VCF-style: chr13-51950056-G-A. GRCh37 (hg19) VCF-style: chr13-52524192-G-A.
Other names: p.Thr894Ile; c.2195C>T, p.Thr732Ile (NM_001005918.3); c.2348C>T, p.Thr783Ile (NM_001243182.2); c.2447C>T, p.Thr816Ile (NM_001330578.2); c.2429C>T, p.Thr810Ile (NM_001330579.2); short protein forms T732I, T783I, T810I, T816I, T894I.
Identifiers: ClinVar variation 811797 (VCV000811797.29), dbSNP rs1340729837, ClinGen allele CA388034326.

ClinVar aggregate classification (germline): Conflicting classifications of pathogenicity. Review status: criteria provided, conflicting classifications (1 of 4 stars). 8 submissions from 8 submitters: Likely pathogenic (2); Uncertain significance (5). 1 of the submissions does not count toward it. Last evaluated 2025-06-23.

Conditions:
Wilson disease (WND). Also called: Wilson's disease. Identifiers: Orphanet 905, MedGen C0019202, MONDO:0010200, OMIM 277900. Disease mechanism: loss of function.

Allele frequency attached by ClinVar (database versions not stated): gnomAD exomes below 0.00001; TOPMed below 0.00001.
gnomAD v4.1: 1 of 1,614,162 alleles (0.000062%); highest among the groups gnomAD compares: Admixed American, 0.0017%; no homozygotes.

Submissions (8):

Women's Health and Genetics/Laboratory Corporation of America, LabCorp
Classification: Uncertain significance. Last evaluated: 2025-06-23. Review status: criteria provided, single submitter. Criteria: LabCorp Variant Classification Summary - May 2015. Collection method: clinical testing. Allele origin: germline.
Comment: Variant summary: ATP7B c.2681C>T (p.Thr894Ile) results in a non-conservative amino acid change in the encoded protein sequence. Algorithms developed to predict the effect of missense changes on protein structure and function all suggest that this variant is likely to be disruptive. The variant allele was found at a frequency of 4e-06 in 249582 control chromosomes (gnomAD). The available data on variant occurrences in the general population are insufficient to allow any conclusion about variant significance. c.2681C>T has been observed in individuals affected with Wilson Disease (Ferenci_2019, Labcorp (formerly Invitae)). These data do not allow any conclusion about variant significance. To our knowledge, no experimental evidence demonstrating an impact on protein function has been reported. The following publication has been ascertained in the context of this evaluation (PMID: 30232804). ClinVar contains an entry for this variant (Variation ID: 811797). Based on the evidence outlined above, the variant was classified as uncertain significance.

Labcorp Genetics (formerly Invitae), Labcorp
Classification: Likely pathogenic for Wilson disease. Last evaluated: 2025-03-10. Review status: criteria provided, single submitter. Criteria: Invitae Variant Classification Sherloc (09022015). Collection method: clinical testing. Allele origin: germline.
Comment: This sequence change replaces threonine, which is neutral and polar, with isoleucine, which is neutral and non-polar, at codon 894 of the ATP7B protein (p.Thr894Ile). This variant is present in population databases (no rsID available, gnomAD 0.003%). This missense change has been observed in individual(s) with Wilson disease (internal data). ClinVar contains an entry for this variant (Variation ID: 811797). Invitae Evidence Modeling of protein sequence and biophysical properties (such as structural, functional, and spatial information, amino acid conservation, physicochemical variation, residue mobility, and thermodynamic stability) indicates that this missense variant is expected to disrupt ATP7B protein function with a positive predictive value of 80%. In summary, the currently available evidence indicates that the variant is pathogenic, but additional data are needed to prove that conclusively. Therefore, this variant has been classified as Likely Pathogenic.

Fulgent Genetics
Classification: Likely pathogenic for Wilson disease. Last evaluated: 2024-02-27. Review status: criteria provided, single submitter. Criteria: ACMG Guidelines, 2015. Collection method: clinical testing. Allele origin: germline.

Mayo Clinic Laboratories, Mayo Clinic
Classification: Uncertain significance. Last evaluated: 2021-12-03. Review status: criteria provided, single submitter. Criteria: ACMG Guidelines, 2015. Collection method: clinical testing. Allele origin: germline.

Genome-Nilou Lab
Classification: Uncertain significance for Wilson disease. Last evaluated: 2021-08-10. Review status: criteria provided, single submitter. Criteria: ACMG Guidelines, 2015. Collection method: clinical testing. Allele origin: germline. Affected: no.

ARUP Laboratories, Molecular Genetics and Genomics, ARUP Laboratories
Classification: Uncertain significance for Wilson disease. Last evaluated: 2018-10-09. Review status: criteria provided, single submitter. Criteria: ARUP Molecular Germline Variant Investigation Process. Collection method: clinical testing. Allele origin: germline.
Comment: The ATP7B c.2681C>T; p.Thr894Ile variant, to our knowledge, is not described in the medical literature or in gene-specific databases, and is only observed on 1 allele in the Genome Aggregation Database. The threonine at codon 894 is highly conserved, and computational algorithms (PolyPhen-2, SIFT) predict that this variant is deleterious. However, due to the lack of clinical and functional data regarding this variant, its clinical significance cannot be determined with certainty.

Illumina Laboratory Services, Illumina
Classification: Uncertain significance for Wilson disease. Last evaluated: 2017-04-27. Review status: criteria provided, single submitter. Criteria: ICSL Variant Classification Criteria 13 December 2019. Collection method: clinical testing. Allele origin: germline.

Natera, Inc.
Classification: Uncertain significance for Wilson disease. Last evaluated: 2025-03-28. Review status: no assertion criteria provided. Collection method: clinical testing. Allele origin: germline. Not counted in ClinVar's aggregate classification.

Literature cited by the submitters: PubMed 30232804 (cited by Women's Health and Genetics/Laboratory Corporation of America, LabCorp).